The following is an entry in ClinVar:

NM_015160.3(PMPCA):c.765C>A (p.Gly255=)

Genes: PMPCA (peptidase, mitochondrial processing subunit alpha; plus strand), LOC126860792 (CDK7 strongly-dependent group 2 enhancer GRCh37_chr9:139310410-139311609; plus strand). Cytogenetic location: 9q34.3.
Variant type: single nucleotide variant.
Coding change: c.765C>A on transcript NM_015160.3 (MANE Select); coding-DNA position 765, C replaced by A.
Protein change: p.Gly255=; no amino-acid change (glycine 255 retained).
Molecular consequence: synonymous variant.
Genome position (GRCh38, 1-based): chr9:136,417,082, C>A. VCF-style: chr9-136417082-C-A. GRCh37 (hg19) VCF-style: chr9-139311534-C-A.
Other names: c.372C>A, p.Gly124= (NM_001282944.2); c.465C>A, p.Gly155= (NM_001282946.2).
Identifiers: ClinVar variation 2659735 (VCV002659735.24), dbSNP rs144130240, ClinGen allele CA5336151.

ClinVar aggregate classification (germline): Likely benign (1 of 4 stars; one submission).

Submission:

CeGaT Center for Human Genetics Tuebingen
Classification: Likely benign. Last evaluated: 2022-03-01. Review status: criteria provided, single submitter. Criteria: CeGaT Center For Human Genetics Tuebingen Variant Classification Criteria Version 2. Collection method: clinical testing. Allele origin: germline. Affected: yes. Observed: 1 variant allele.
Comment: PMPCA: BP4, BP7